The following is an entry in ClinVar:

ClinVar aggregate classification (germline): Pathogenic. Review status: reviewed by expert panel (3 of 4 stars). 20 submissions from 20 submitters: Pathogenic (1). 19 of the submissions do not count toward it. Last evaluated 2024-11-26.
ClinVar aggregate classification (oncogenicity): Likely oncogenic (1 of 4 stars; one submission).

Conditions:
ATM-related disorder. Also called: ATM-related disorders; ATM-related condition.
ATM-related cancer predisposition. Also called: ATM-related cancer susceptibility. Identifiers: MedGen CN377759, MONDO:0700270.
Hereditary cancer-predisposing syndrome. Also called: Hereditary Cancer Syndrome; Tumor predisposition; Hereditary neoplastic syndrome; Neoplastic Syndromes, Hereditary. Identifiers: Orphanet 140162, MedGen C0027672, MeSH D009386, MONDO:0015356.
Familial cancer of breast. Also called: hereditary breast carcinoma; BREAST CANCER, FAMILIAL; Hereditary breast cancer. Identifiers: Orphanet 227535, MedGen C0346153, MONDO:0016419, OMIM 114480. Disease mechanism: loss of function.
Ataxia-telangiectasia syndrome (AT). Also called: Ataxia-telangiectasia, complementation group D; AT, COMPLEMENTATION GROUP C; Ataxia-telangiectasia, complementation group E; Cerebello-oculocutaneous telangiectasia; Immunodeficiency with ataxia telangiectasia; LOUIS-BAR SYNDROME. Identifiers: Orphanet 100, MedGen C0004135, MONDO:0008840, OMIM 208900.
Neoplasm. Also called: tumor; Neoplasms; Neoplasm (disease). Identifiers: MedGen C0027651, MeSH D009369, MONDO:0005070, HP:0002664.

Allele frequency attached by ClinVar (database versions not stated): ExAC 0.00002; gnomAD exomes 0.00002 and below 0.00001.
gnomAD v4.1: 6 of 1,613,346 alleles (0.00037%); highest among the groups gnomAD compares: South Asian, 0.0022%; no homozygotes.

Submissions 1 to 10 of 21:

ClinGen Hereditary Breast, Ovarian and Pancreatic Cancer Variant Curation Expert Panel, ClinGen
Classification: Pathogenic for ATM-related cancer predisposition. Last evaluated: 2024-11-26. Review status: reviewed by expert panel. Criteria: ClinGen HBOP ACMG Specifications ATM V1.3.0. Collection method: curation. Allele origin: germline. Inheritance: Autosomal dominant inheritance.
Comment: The c.67C>T (p.Arg23*) variant in ATM is a nonsense variant in a biologically-relevant-exon predicted to cause a premature stop codon leading to nonsense mediated decay in a gene in which loss-of-function is an established disease mechanism. This alteration results in a termination codon upstream of the most C-terminus pathogenic alteration (ATM p.Arg3047*), as classified by the HBOP VCEP, and is expected to be more deleterious. This variant has been detected in 4 at least individuals with Ataxia-Telangiectasia (PMID: 26896183, 35260754, 36439585). The highest population minor allele frequency in gnomAD v2.1.1 is 0.000098 in the South Asian population (PM2_Supporting, BS1, and BA1 are not met). In summary, this variant meets criteria to be classified as pathogenic for autosomal dominant ATM-related cancer predisposition and autosomal recessive Ataxia-Telangiectasia based on the ACMG/AMP criteria applied as specified by the HBOP Variant Curation Expert Panel. (PVS1, PM5_Supporting, PM3_Strong)

Clinical Genetics Laboratory, Skane University Hospital Lund
Classification: Pathogenic for Familial cancer of breast. Last evaluated: 2026-11-06. Review status: criteria provided, single submitter. Criteria: ACMG Guidelines, 2015. Collection method: clinical testing. Allele origin: germline. Affected: yes. Not counted in ClinVar's aggregate classification.
Comment: Nonsense variant predicted to lead to a truncated protein or NMD. Expert classified pathogenic.

CeGaT Center for Human Genetics Tuebingen
Classification: Pathogenic. Last evaluated: 2026-07-01. Review status: criteria provided, single submitter. Criteria: CeGaT Center For Human Genetics Tuebingen Variant Classification Criteria Version 2. Collection method: clinical testing. Allele origin: germline. Affected: yes. Observed: 1 variant allele. Not counted in ClinVar's aggregate classification.
Comment: ATM: PM3:Strong, PVS1:Strong, PM2

Labcorp Genetics (formerly Invitae), Labcorp
Classification: Pathogenic for Ataxia-telangiectasia syndrome. Last evaluated: 2025-11-25. Review status: criteria provided, single submitter. Criteria: Invitae Variant Classification Sherloc (09022015). Collection method: clinical testing. Allele origin: germline. Not counted in ClinVar's aggregate classification.
Comment: This sequence change creates a premature translational stop signal (p.Arg23*) in the ATM gene. It is expected to result in an absent or disrupted protein product. Loss-of-function variants in ATM are known to be pathogenic (PMID: 23807571, 25614872). This variant is present in population databases (rs746235533, gnomAD 0.01%). This premature translational stop signal has been observed in individual(s) with lymphoma, gastric cancer, and medulloblastoma (PMID: 11756177, 26506520, 29753700). ClinVar contains an entry for this variant (Variation ID: 232248). RNA analysis performed to evaluate the impact of this premature translational stop signal on mRNA splicing indicates it does not significantly alter splicing (internal data). For these reasons, this variant has been classified as Pathogenic.

Natera, Inc.
Classification: Pathogenic for Ataxia-telangiectasia. Last evaluated: 2025-05-27. Review status: criteria provided, single submitter. Criteria: Natera Variant Classification Schema (03/2026). Collection method: clinical testing. Allele origin: germline. Not counted in ClinVar's aggregate classification.
Comment: The c.67C>T variant in ATM is a nonsense variant predicted to introduce a stop codon at amino acid 23. This variant is expected to result in nonsense mediated decay, truncation, or a dysfunctional protein product. This variant is rare in the general population with a frequency below the threshold expected for the associated phenotype(s). This variant has been observed in one or more individuals affected with the associated recessive disease, as either homozygous or compound heterozygous with a second variant (PMID: 33547824, 35260754). Given the available evidence, this variant is classified as Pathogenic.

Ambry Genetics
Classification: Pathogenic for Hereditary cancer-predisposing syndrome. Last evaluated: 2025-04-28. Review status: criteria provided, single submitter. Criteria: Ambry Variant Classification Scheme 2023. Collection method: clinical testing. Allele origin: germline. Not counted in ClinVar's aggregate classification.
Comment: The p.R23* pathogenic mutation (also known as c.67C>T), located in coding exon 1 of the ATM gene, results from a C to T substitution at nucleotide position 67. This changes the amino acid from an arginine to a stop codon within coding exon 1. This mutation has been reported in the tumor and germline of an individual diagnosed with mantle cell lymphoma (Camacho E et al. Blood. 2002 Jan;99(1):238-44), and in a patient with gastric cancer (Huang DS et al. Oncotarget. 2015 Dec;6(38):40953-8). In addition to the clinical data presented in the literature, this alteration is expected to result in loss of function by premature protein truncation or nonsense-mediated mRNA decay. As such, this alteration is interpreted as a disease-causing mutation.

Center for Genomic Medicine, Rigshospitalet, Copenhagen University Hospital
Classification: Likely oncogenic for Neoplasm. Last evaluated: 2025-03-04. Review status: criteria provided, single submitter. Criteria: ClinGen/CGC/VICC Guidelines for Oncogenicity, 2022. Collection method: clinical testing. Allele origin: somatic. Affected: yes.

Clinical Genomic Analysis (GENYSIS) Core, University of North Carolina at Chapel Hill
Classification: Pathogenic for Familial cancer of breast. Last evaluated: 2024-09-10. Review status: criteria provided, single submitter. Criteria: ACMG Guidelines, 2015. Collection method: research. Allele origin: unknown. Observed: 1 heterozygote. Study: UNC Genetic Determinants of Neurological and Developmental Disorders (GDNDD) Study. Not counted in ClinVar's aggregate classification.
Comment: ATM c.67C>T, p.(Arg23Ter) is a nonsense variant in exon 2 of 63 that is predicted to result in premature protein truncation and loss of protein function. This rare variant is present at an allele frequency of 0.0004% (6/1613346 alleles) in the gnomADv4.1 population database and has been reported as pathogenic by multiple clinical laboratories in ClinVar (Accession: VCV000232248.31). This variant has been reported in the homozygous and compound heterozygous state in individuals with ataxia-telangiectasia (PMIDs 26896183 and 33547824), and in the heterozygous state in an individual with late-onset gastric cancer (PMID:26506520). Thus, this variant is considered pathogenic per the ClinGen Hereditary Breast, Ovarian and Pancreatic Cancer Expert Panel Specifications to the ACMG/AMP Variant Interpretation Guidelines for ATM Version 1.3.0. ACMG codes: PVS1 (null variant), PS3_Moderate (functional studies), PM2_Supporting (rare in gnomAD), PM3 (detected in trans with a pathogenic variant)

Color Diagnostics, LLC DBA Color Health
Classification: Pathogenic for Hereditary cancer-predisposing syndrome. Last evaluated: 2024-01-22. Review status: criteria provided, single submitter. Criteria: ACMG Guidelines, 2015. Collection method: clinical testing. Allele origin: germline. Not counted in ClinVar's aggregate classification.
Comment: This variant changes 1 nucleotide in exon 2 of the ATM gene, creating a premature translation stop signal. This variant is expected to result in an absent or non-functional protein product. This variant has been reported in the homozygous state or with a second pathogenic ATM variant in multiple individuals affected with ataxia-telangiectasia (PMID: 26896183, 33547824). This variant has also been reported in individuals affected with mantle cell lymphoma, gastric cancer, medulloblastoma, and breast cancer (PMID: 11756177, 26506520, 29753700, 31214711). This variant has been identified in 5/251364 chromosomes in the general population by the Genome Aggregation Database (gnomAD). Loss of ATM function is a known mechanism of disease. Based on the available evidence, this variant is classified as Pathogenic.

Myriad Genetics, Inc.
Classification: Pathogenic for Familial cancer of breast. Last evaluated: 2024-01-05. Review status: criteria provided, single submitter. Criteria: Myriad Autosomal Dominant, Autosomal Recessive and X-Linked Classification Criteria (2023). Collection method: clinical testing. Allele origin: unknown. Not counted in ClinVar's aggregate classification.
Comment: This variant is considered pathogenic. This variant creates a termination codon and is predicted to result in premature protein truncation.

NM_000051.4(ATM):c.67C>T (p.Arg23Ter)

Gene: ATM (ATM serine/threonine kinase; plus strand). Cytogenetic location: 11q22.3.
Variant type: single nucleotide variant.
Coding change: c.67C>T on transcript NM_000051.4 (MANE Select); coding-DNA position 67, C replaced by T.
Protein change: p.Arg23Ter; replaces arginine 23 with a stop codon.
Molecular consequence: nonsense.
Genome position (GRCh38, 1-based): chr11:108,227,691, C>T. VCF-style: chr11-108227691-C-T. GRCh37 (hg19) VCF-style: chr11-108098418-C-T.
Other names: NM_000051.4(ATM):c.67C>T; p.Arg23Ter; c.67C>T, p.Arg23Ter (NM_001351834.2, NM_001351835.2, NM_001351836.2); short protein forms R23*.
Identifiers: ClinVar variation 232248 (VCV000232248.42), dbSNP rs746235533, ClinGen allele CA6264503.
Genomic context (GRCh38, chr11:108,227,691, plus strand): 5'-CTAGTACTTAATGATCTGCTTATCTGCTGCCGTCAACTAGAACATGATAGAGCTACAGAA[C>T]GAAAGGTAGTAAATTACTTAAATTCAATTTTTCCTTGAAATAAGTGTGATTAGTAACCCA-3'